The following is an entry in ClinVar:

NM_000074.3(CD40LG):c.315G>A (p.Thr105=)

Gene: CD40LG (CD40 ligand; plus strand). Cytogenetic location: Xq26.3.
Variant type: single nucleotide variant.
Coding change: c.315G>A on transcript NM_000074.3 (MANE Select); coding-DNA position 315, G replaced by A.
Protein change: p.Thr105=; no amino-acid change (threonine 105 retained).
Molecular consequence: synonymous variant.
Genome position (GRCh38, 1-based): chrX:136,654,399, G>A. VCF-style: chrX-136654399-G-A. GRCh37 (hg19) VCF-style: chrX-135736558-G-A.
Other names: c.315G>A (NM_000074.2).
Identifiers: ClinVar variation 1164806 (VCV001164806.11), dbSNP rs778398894, ClinGen allele CA10528113.

ClinVar aggregate classification (germline): Benign. Review status: criteria provided, single submitter (1 of 4 stars). 2 submissions from 2 submitters: Benign (1). 1 of the submissions does not count toward it. Last evaluated 2025-12-26.

Conditions:
CD40LG-related disorder. Also called: CD40LG-related condition.
Hyper-IgM syndrome type 1. Also called: X-linked hyper-IgM syndrome; Immunodeficiency, X-linked, with hyper-IgM; CD40 Ligand Deficiency; Hyper-IgM Immunodeficiency Syndrome, Type 1. Identifiers: Orphanet 101088, MedGen C0398689, MONDO:0010626, OMIM 308230.

Allele frequency attached by ClinVar (database versions not stated): ExAC 0.00001; gnomAD 0.00001; gnomAD exomes 0.00001 and 0.00003; TOPMed 0.00003.
gnomAD v4.1: 33 of 1,203,490 alleles (0.0027%); highest among the groups gnomAD compares: Non-Finnish European, 0.0035%; no homozygotes.

Submissions (2):

Labcorp Genetics (formerly Invitae), Labcorp
Classification: Benign for Hyper-IgM syndrome type 1. Last evaluated: 2025-12-26. Review status: criteria provided, single submitter. Criteria: Invitae Variant Classification Sherloc (09022015). Collection method: clinical testing. Allele origin: germline.

PreventionGenetics, part of Exact Sciences
Classification: Likely benign for CD40LG-related condition. Last evaluated: 2022-10-07. Review status: no assertion criteria provided. Collection method: clinical testing. Allele origin: germline. Not counted in ClinVar's aggregate classification.
Comment: This variant is classified as likely benign based on ACMG/AMP sequence variant interpretation guidelines (Richards et al. 2015 PMID: 25741868, with internal and published modifications).